The following is an entry in ClinVar:

ClinVar aggregate classification (germline): Conflicting classifications of pathogenicity. Review status: criteria provided, conflicting classifications (1 of 4 stars). 2 submissions from 2 submitters: Uncertain significance (1); Likely benign (1). Last evaluated 2025-10-16.

Conditions:
Inborn genetic diseases. Identifiers: MedGen C0950123, MeSH D030342.

gnomAD v4.1: 6 of 1,614,030 alleles (0.00037%); highest among the groups gnomAD compares: Non-Finnish European, 0.00051%; no homozygotes.

Submissions (2):

Labcorp Genetics (formerly Invitae), Labcorp
Classification: Uncertain significance. Last evaluated: 2025-10-16. Review status: criteria provided, single submitter. Criteria: Invitae Variant Classification Sherloc (09022015). Collection method: clinical testing. Allele origin: germline.
Comment: This sequence change replaces proline, which is neutral and non-polar, with histidine, which is basic and polar, at codon 53 of the EFTUD2 protein (p.Pro53His). The frequency data for this variant in the population databases is considered unreliable, as metrics indicate poor data quality at this position in the gnomAD database. This variant has not been reported in the literature in individuals affected with EFTUD2-related conditions. ClinVar contains an entry for this variant (Variation ID: 3673932). An algorithm developed to predict the effect of missense changes on protein structure and function (PolyPhen-2) suggests that this variant is likely to be tolerated. In summary, the available evidence is currently insufficient to determine the role of this variant in disease. Therefore, it has been classified as a Variant of Uncertain Significance.

Ambry Genetics
Classification: Likely benign for Inborn genetic diseases. Last evaluated: 2025-08-05. Review status: criteria provided, single submitter. Criteria: Ambry Variant Classification Scheme 2023. Collection method: clinical testing. Allele origin: germline.

NM_004247.4(EFTUD2):c.158C>A (p.Pro53His)

Gene: EFTUD2 (elongation factor Tu GTP binding domain containing 2; minus strand). Cytogenetic location: 17q21.31.
Variant type: single nucleotide variant.
Coding change: c.158C>A on transcript NM_004247.4 (MANE Select); coding-DNA position 158, C replaced by A.
Protein change: p.Pro53His; replaces proline 53 with histidine.
Molecular consequence: missense variant.
Genome position (GRCh38, 1-based): chr17:44,886,698, G>T on the plus strand (C>A on the coding strand, the complement: EFTUD2 is on the minus strand). VCF-style: chr17-44886698-G-T. GRCh37 (hg19) VCF-style: chr17-42964066-G-T.
Other names: c.158C>A (NM_004247.3); c.53C>A, p.Pro18His (NM_001142605.2); c.158C>A, p.Pro53His (NM_001258353.2, NM_001258354.2); short protein forms P18H, P53H.
Identifiers: ClinVar variation 3673932 (VCV003673932.3).